The following is an entry in ClinVar:

NM_001036.6(RYR3):c.11891C>T (p.Ser3964Leu)

Gene: RYR3 (ryanodine receptor 3; plus strand). Cytogenetic location: 15q14.
Variant type: single nucleotide variant.
Coding change: c.11891C>T on transcript NM_001036.6 (MANE Select); coding-DNA position 11891, C replaced by T.
Protein change: p.Ser3964Leu; replaces serine 3964 with leucine.
Molecular consequence: missense variant.
Genome position (GRCh38, 1-based): chr15:33,837,871, C>T. VCF-style: chr15-33837871-C-T. GRCh37 (hg19) VCF-style: chr15-34130072-C-T.
Other names: c.11891C>T (NM_001036.3); c.11876C>T, p.Ser3959Leu (NM_001243996.4); short protein forms S3964L, S3959L.
Identifiers: ClinVar variation 571527 (VCV000571527.18), dbSNP rs750201337, ClinGen allele CA7461313.

ClinVar aggregate classification (germline): Uncertain significance. Review status: criteria provided, multiple submitters, no conflicts (2 of 4 stars). 3 submissions from 3 submitters: Uncertain significance (3). Last evaluated 2023-08-08.

Conditions:
Epileptic encephalopathy. Identifiers: MedGen C0543888, HP:0200134.

Allele frequency attached by ClinVar (database versions not stated): ExAC 0.00003; gnomAD exomes 0.00007 and 0.00003; TOPMed 0.00003; gnomAD 0.00004.
gnomAD v4.1: 102 of 1,613,842 alleles (0.0063%); highest among the groups gnomAD compares: Middle Eastern, 0.016%; no homozygotes.

Submissions (3):

Ambry Genetics
Classification: Uncertain significance. Last evaluated: 2023-08-08. Review status: criteria provided, single submitter. Criteria: Ambry Variant Classification Scheme 2023. Collection method: clinical testing. Allele origin: germline.

ARUP Laboratories, Molecular Genetics and Genomics, ARUP Laboratories
Classification: Uncertain significance. Last evaluated: 2021-08-20. Review status: criteria provided, single submitter. Criteria: ARUP Molecular Germline Variant Investigation Process 2021. Collection method: clinical testing. Allele origin: germline.

Labcorp Genetics (formerly Invitae), Labcorp
Classification: Uncertain significance for Epileptic encephalopathy. Last evaluated: 2020-02-24. Review status: criteria provided, single submitter. Criteria: Invitae Variant Classification Sherloc (09022015). Collection method: clinical testing. Allele origin: germline.
Comment: This sequence change replaces serine with leucine at codon 3964 of the RYR3 protein (p.Ser3964Leu). The serine residue is highly conserved and there is a large physicochemical difference between serine and leucine. This variant is present in population databases (rs750201337, ExAC 0.01%). This variant has not been reported in the literature in individuals with RYR3-related disease. Algorithms developed to predict the effect of missense changes on protein structure and function are either unavailable or do not agree on the potential impact of this missense change (SIFT: "Deleterious"; PolyPhen-2: "Probably Damaging"; Align-GVGD: "Class C0"). In summary, the available evidence is currently insufficient to determine the role of this variant in disease. Therefore, it has been classified as a Variant of Uncertain Significance.